The following continues an entry in ClinVar:

NM_000059.4(BRCA2):c.3682A>G (p.Asn1228Asp)

Gene: BRCA2. ClinVar aggregate classification (germline): Benign. Benign (1).

Submissions 21 to 22 of 22:

Department of Pathology and Laboratory Medicine, Sinai Health System
Classification: Likely benign for Breast-ovarian cancer, familial, susceptibility to, 2. Review status: no assertion criteria provided. Collection method: clinical testing. Allele origin: unknown. Affected: yes. Observed: 1 variant allele. Study: The Canadian Open Genetics Repository (COGR). Not counted in ClinVar's aggregate classification.
Comment: The BRCA2 p.Asn1228Asp variant was identified in a minimum of 1 of 146 proband chromosomes (frequency: 0.007) from Italian individuals or families with breast/ovarian cancers (Giannini 2006). Computational methods assessing the pathogenicity of unclassified missense variants includes a posterior probability model/likelihood ratio model found the variant not to be deleterious (Lindor 2012, Easton 2007, Rajasekaran 2008). The variant was also identified in dbSBP (ID: rs28897722) â€šÃ„ÃºWith other alleleâ€šÃ„Ã¹, ClinVar (classified as benign, reviewed by an expert panel (last assessed 2015); submitters: benign by ENIGMA, Invitae, Ambry Genetics, SCRP (Sharing Clinical Reports Project, derived from Myriad reports); likely benign by GeneDx, Counsyl; uncertain significance by BIC and Div of Genomic Diagnostics, Children's Hospital of Philadelphia), Clinvitae (4x), LOVD 3.0 (4x), UMD-LSDB (7x with classification 1-Neutral), BIC Database (7x, unknown clinical importance, classification pending), and ARUP Laboratories (classified 1-not pathogenic or of no clinical significance). The variant was not identified in Genesight-COGR, Cosmic, MutDB, Zhejiang Colon Cancer Database. The variant was identified in control databases in 11 of 275416 chromosomes at a frequency of 0.00004 increasing the likelihood that this may be a low frequency benign variant in certain populations of origin (Genome Aggregation Consortium Feb 27, 2017). The p.Asn1228 residue is not conserved in mammals and computational analyses (PolyPhen-2, SIFT, AlignGVGD, BLOSUM, MutationTaster) do not suggest a high likelihood of impact to the protein; however, this information is not predictive enough to rule out pathogenicity. The variant occurs outside of the splicing consensus sequence and in silico or computational prediction software programs (SpliceSiteFinder, MaxEntScan, NNSPLICE, GeneSplicer, HumanSpliceFinder) do not predict a difference in splicing. In summary, based on the above information the clinical significance of this variant cannot be determined with certainty at this time although we would lean towards a more benign role for this variant. This variant is classified as likely benign.

Joint Genome Diagnostic Labs from Nijmegen and Maastricht, Radboudumc and MUMC+
Classification: Benign. Review status: no assertion criteria provided. Collection method: clinical testing. Allele origin: germline. Affected: yes. Study: VKGL Data-share Consensus. Not counted in ClinVar's aggregate classification.

Literature cited by the submitters: PubMed 21990134 (cited by 3 submitters); PubMed 17924331 (cited by Women's Health and Genetics/Laboratory Corporation of America, LabCorp and Counsyl); PubMed 24323938 (cited by Women's Health and Genetics/Laboratory Corporation of America, LabCorp); PubMed 16760289 (cited by Women's Health and Genetics/Laboratory Corporation of America, LabCorp); PubMed 16847550 (cited by Women's Health and Genetics/Laboratory Corporation of America, LabCorp and Counsyl); PubMed 18092194 (cited by Women's Health and Genetics/Laboratory Corporation of America, LabCorp); PubMed 24817641 (cited by Women's Health and Genetics/Laboratory Corporation of America, LabCorp); PubMed 26010302 (cited by Women's Health and Genetics/Laboratory Corporation of America, LabCorp); PubMed 27153395 (cited by Women's Health and Genetics/Laboratory Corporation of America, LabCorp); PubMed 26699384 (cited by Women's Health and Genetics/Laboratory Corporation of America, LabCorp); PubMed 29580235 (cited by Women's Health and Genetics/Laboratory Corporation of America, LabCorp); PubMed 32444794 (cited by Women's Health and Genetics/Laboratory Corporation of America, LabCorp).